The following is an entry in ClinVar:

ClinVar aggregate classification (germline): Uncertain significance (1 of 4 stars; one submission).

Conditions:
Autosomal recessive Alport syndrome (ATS2). Also called: Alport syndrome type 2; COL4A3-Related Nephropathy; COL4A4 Alport Syndrome and Thin Basement Membrane Nephropathy; ALPORT SYNDROME 2, AUTOSOMAL RECESSIVE. Identifiers: Orphanet 63, Orphanet 88919, MedGen C4746745, MONDO:0008762, OMIM 203780.

gnomAD v4.1: 1 of 1,613,546 alleles (0.000062%); highest among the groups gnomAD compares: Non-Finnish European, 0.000085%; no homozygotes.

Submission:

3billion
Classification: Uncertain significance for Autosomal recessive Alport syndrome. Last evaluated: 2024-03-11. Review status: criteria provided, single submitter. Criteria: ACMG Guidelines, 2015. Collection method: clinical testing. Allele origin: germline. Affected: yes.
Comment: The variant is not observed in the gnomAD v2.1.1 dataset. Predicted Consequence/Location: Missense variant In silico tool predictions suggest damaging effect of the variant on gene or gene product [REVEL: 0.97 (>=0.6, sensitivity 0.68 and specificity 0.92); 3Cnet: 0.79 (>=0.6, sensitivity 0.72 and precision 0.9)]. Therefore, this variant is classified as VUS according to the recommendation of ACMG/AMP guideline.

NM_000092.5(COL4A4):c.499G>A (p.Gly167Arg)

Gene: COL4A4 (collagen type IV alpha 4 chain; minus strand). Cytogenetic location: 2q36.3.
Variant type: single nucleotide variant.
Coding change: c.499G>A on transcript NM_000092.5 (MANE Select); coding-DNA position 499, G replaced by A.
Protein change: p.Gly167Arg; replaces glycine 167 with arginine.
Molecular consequence: missense variant.
Genome position (GRCh38, 1-based): chr2:227,114,687, C>T on the plus strand (G>A on the coding strand, the complement: COL4A4 is on the minus strand). VCF-style: chr2-227114687-C-T. GRCh37 (hg19) VCF-style: chr2-227979403-C-T.
Other names: short protein forms G167R.
Identifiers: ClinVar variation 3775267 (VCV003775267.1).
Genomic context (GRCh38, chr2:227,114,687, plus strand): 5'-CCTGAATACCTTTAACGGCACCTAAAATGAACACTGAATTTCCTTTTTCTCCCTTTTCCC[C>T]AGGATGGCCCTGAAAATAAAATATGTATGTACTTAACAGGAAAATAGCATATTACCATTT-3'
Protein context (NP_000083.3, residues 157-177): LGPGGPLGHP[Gly167Arg]EKGEKGNSVF